The following is an entry in ClinVar:

ClinVar aggregate classification (germline): Uncertain significance (1 of 4 stars; one submission).

Conditions:
Hereditary cancer-predisposing syndrome. Also called: Neoplastic Syndromes, Hereditary; Tumor predisposition; Hereditary neoplastic syndrome; Hereditary Cancer Syndrome. Identifiers: Orphanet 140162, MedGen C0027672, MeSH D009386, MONDO:0015356.

Submission:

Ambry Genetics
Classification: Uncertain significance for Hereditary cancer-predisposing syndrome. Last evaluated: 2026-07-06. Review status: criteria provided, single submitter. Criteria: Ambry Variant Classification Scheme 2023. Collection method: clinical testing. Allele origin: germline.
Comment: The p.S123Y variant (also known as c.368C>A), located in coding exon 5 of the PMS2 gene, results from a C to A substitution at nucleotide position 368. The serine at codon 123 is replaced by tyrosine, an amino acid with dissimilar properties. This amino acid position is conserved. In addition, the in silico prediction for this alteration is inconclusive. Based on the available evidence, the clinical significance of this variant remains unclear.

NM_000535.7(PMS2):c.368C>A (p.Ser123Tyr)

Gene: PMS2 (PMS1 homolog 2, mismatch repair system component; minus strand). Cytogenetic location: 7p22.1.
Variant type: single nucleotide variant.
Coding change: c.368C>A on transcript NM_000535.7 (MANE Select); coding-DNA position 368, C replaced by A.
Protein change: p.Ser123Tyr; replaces serine 123 with tyrosine.
Molecular consequence: missense variant. On other transcripts: 5 prime UTR variant (29), non-coding transcript variant (1), intron variant (1).
Genome position (GRCh38, 1-based): chr7:6,002,622, G>T on the plus strand (C>A on the coding strand, the complement: PMS2 is on the minus strand). VCF-style: chr7-6002622-G-T. GRCh37 (hg19) VCF-style: chr7-6042253-G-T.
Other names: c.-38C>A (NM_001322003.2, NM_001322004.2, NM_001322005.2 and 24 more transcripts); c.368C>A, p.Ser123Tyr (NM_001322006.2, NM_001322014.2, NM_001406869.1 and 8 more transcripts); c.50C>A, p.Ser17Tyr (NM_001322007.2, NM_001322008.2, NM_001406876.1 and 4 more transcripts); c.-517C>A (NM_001322011.2, NM_001322012.2); c.59C>A, p.Ser20Tyr (NM_001322015.2, NM_001406875.1, NM_001406877.1 and 6 more transcripts); c.554C>A, p.Ser185Tyr (NM_001406866.1); c.392C>A, p.Ser131Tyr (NM_001406868.1); c.250+1350C>A (NM_001406885.1); short protein forms S131Y, S17Y, S20Y, S123Y, S185Y.
Identifiers: ClinVar variation 5026912 (VCV005026912.1).
Genomic context (GRCh38, chr7:6,002,622, plus strand): 5'-ATTTTCCCATTGTGATCAAACATCAGTCGAGTTCCAACCTTCGCCGATGCGTGGCAGGTA[G>T]AAATGGTGACATCGCTGTGAGAGAATACCAGGCATGGTGTGTTCAGTGAGAGACCCATGA-3'
Protein context (NP_000526.2, residues 113-133): SLCALSDVTI[Ser123Tyr]TCHASAKVGT